The following is an entry in ClinVar:

NM_014956.5(CEP164):c.2813T>G (p.Val938Gly)

Gene: CEP164 (centrosomal protein 164; plus strand). Cytogenetic location: 11q23.3.
Variant type: single nucleotide variant.
Coding change: c.2813T>G on transcript NM_014956.5 (MANE Select); coding-DNA position 2813, T replaced by G.
Protein change: p.Val938Gly; replaces valine 938 with glycine.
Molecular consequence: missense variant.
Genome position (GRCh38, 1-based): chr11:117,394,972, T>G. VCF-style: chr11-117394972-T-G. GRCh37 (hg19) VCF-style: chr11-117265688-T-G.
Other names: c.2822T>G, p.Val941Gly (NM_001271933.2); c.2813T>G (NM_014956.4); short protein forms V938G, V941G.
Identifiers: ClinVar variation 1001422 (VCV001001422.10), dbSNP rs374045323, ClinGen allele CA6295222.

ClinVar aggregate classification (germline): Uncertain significance. Review status: criteria provided, multiple submitters, no conflicts (2 of 4 stars). 4 submissions from 4 submitters: Uncertain significance (4). Last evaluated 2025-11-10.

Conditions:
Inborn genetic diseases. Identifiers: MedGen C0950123, MeSH D030342.
CEP164-related disorder. Also called: CEP164-related condition.
Nephronophthisis 15 (NPHP15). Identifiers: Orphanet 3156, MedGen C3541853, MONDO:0013917, OMIM 614845.

Allele frequency attached by ClinVar (database versions not stated): TOPMed 0.00003.
gnomAD v4.1: 8 of 1,614,154 alleles (0.0005%); highest among the groups gnomAD compares: East Asian, 0.0045%; no homozygotes.

Submissions (4):

PreventionGenetics, part of Exact Sciences
Classification: Uncertain significance for CEP164-related condition. Last evaluated: 2025-11-10. Review status: criteria provided, single submitter. Criteria: ACMG Guidelines, 2015. Collection method: clinical testing. Allele origin: germline.
Comment: The CEP164 c.2813T>G variant is predicted to result in the amino acid substitution p.Val938Gly. To our knowledge, this variant has not been reported in the literature. This variant is reported in 0.011% of alleles in individuals of East Asian descent in gnomAD. At this time, the clinical significance of this variant is uncertain due to the absence of conclusive functional and genetic evidence.

Labcorp Genetics (formerly Invitae), Labcorp
Classification: Uncertain significance for Nephronophthisis 15. Last evaluated: 2024-10-08. Review status: criteria provided, single submitter. Criteria: Invitae Variant Classification Sherloc (09022015). Collection method: clinical testing. Allele origin: germline.
Comment: This sequence change replaces valine, which is neutral and non-polar, with glycine, which is neutral and non-polar, at codon 938 of the CEP164 protein (p.Val938Gly). This variant is present in population databases (rs374045323, gnomAD 0.01%). This variant has not been reported in the literature in individuals affected with CEP164-related conditions. ClinVar contains an entry for this variant (Variation ID: 1001422). Invitae Evidence Modeling of protein sequence and biophysical properties (such as structural, functional, and spatial information, amino acid conservation, physicochemical variation, residue mobility, and thermodynamic stability) indicates that this missense variant is not expected to disrupt CEP164 protein function with a negative predictive value of 80%. In summary, the available evidence is currently insufficient to determine the role of this variant in disease. Therefore, it has been classified as a Variant of Uncertain Significance.

Ambry Genetics
Classification: Uncertain significance for Inborn genetic diseases. Last evaluated: 2024-09-09. Review status: criteria provided, single submitter. Criteria: Ambry Variant Classification Scheme 2023. Collection method: clinical testing. Allele origin: germline.

Fulgent Genetics
Classification: Uncertain significance for Nephronophthisis 15. Last evaluated: 2022-01-12. Review status: criteria provided, single submitter. Criteria: ACMG Guidelines, 2015. Collection method: clinical testing. Allele origin: unknown.